The following is an entry in ClinVar:

NM_004006.3(DMD):c.7366A>G (p.Ile2456Val)

Gene: DMD (dystrophin; minus strand). Cytogenetic location: Xp21.1.
Variant type: single nucleotide variant.
Coding change: c.7366A>G on transcript NM_004006.3 (MANE Select); coding-DNA position 7366, A replaced by G.
Protein change: p.Ile2456Val; replaces isoleucine 2456 with valine.
Molecular consequence: missense variant. On other transcripts: 5 prime UTR variant (5).
Genome position (GRCh38, 1-based): chrX:31,774,136, T>C on the plus strand (A>G on the coding strand, the complement: DMD is on the minus strand). VCF-style: chrX-31774136-T-C. GRCh37 (hg19) VCF-style: chrX-31792253-T-C.
Other names: c.7342A>G, p.Ile2448Val (NM_000109.4); c.7354A>G, p.Ile2452Val (NM_004009.3); c.6997A>G, p.Ile2333Val (NM_004010.3); c.3343A>G, p.Ile1115Val (NM_004011.4); c.3334A>G, p.Ile1112Val (NM_004012.4); c.-15A>G (NM_004013.3, NM_004020.4, NM_004021.3 and 2 more transcripts); short protein forms I1115V, I2333V, I1112V, I2448V, I2452V, I2456V.
Identifiers: ClinVar variation 912475 (VCV000912475.10), dbSNP rs1467855560, ClinGen allele CA412659086.

ClinVar aggregate classification (germline): Uncertain significance. Review status: criteria provided, multiple submitters, no conflicts (2 of 4 stars). 3 submissions from 3 submitters: Uncertain significance (2). 1 of the submissions does not count toward it. Last evaluated 2021-09-02.

Conditions:
Dilated cardiomyopathy 3B (CMD3B). Also called: CMD3B: DMD-Related Dilated Cardiomyopathy; CARDIOMYOPATHY, DILATED, X-LINKED; DMD-Associated Dilated Cardiomyopathy. Identifiers: Orphanet 154, MedGen C3668940, MONDO:0010542, OMIM 302045.
Duchenne muscular dystrophy (DMD). Also called: Duchenne Muscular Dystrophy (DMD); MUSCULAR DYSTROPHY, PSEUDOHYPERTROPHIC PROGRESSIVE, DUCHENNE TYPE. Identifiers: Orphanet 98896, MedGen C0013264, MONDO:0010679, OMIM 310200.
Cardiomyopathy (CMYO). Also called: Cardiomyopathies. Identifiers: Orphanet 167848, MedGen C0878544, MONDO:0004994, HP:0001638. Inheritance: Various modes of inheritance.
Dystrophin deficiency.
Becker muscular dystrophy (BMD). Also called: MUSCULAR DYSTROPHY, PSEUDOHYPERTROPHIC PROGRESSIVE, BECKER TYPE; Becker Muscular Dystrophy (BMD). Identifiers: Orphanet 98895, MedGen C0917713, MONDO:0010311, OMIM 300376.

Allele frequency attached by ClinVar (database versions not stated): TOPMed below 0.00001.
gnomAD v4.1: 8 of 1,210,974 alleles (0.00066%); highest among the groups gnomAD compares: African/African-American, 0.0035%; no homozygotes.

Submissions (3):

Labcorp Genetics (formerly Invitae), Labcorp
Classification: Uncertain significance for Duchenne muscular dystrophy. Last evaluated: 2021-09-02. Review status: criteria provided, single submitter. Criteria: Invitae Variant Classification Sherloc (09022015). Collection method: clinical testing. Allele origin: germline.
Comment: This sequence change replaces isoleucine with valine at codon 2456 of the DMD protein (p.Ile2456Val). The isoleucine residue is moderately conserved and there is a small physicochemical difference between isoleucine and valine. This variant is not present in population databases (ExAC no frequency). This variant has not been reported in the literature in individuals affected with DMD-related conditions. Algorithms developed to predict the effect of missense changes on protein structure and function output the following: SIFT: "Tolerated"; PolyPhen-2: "Benign"; Align-GVGD: "Class C0". The valine amino acid residue is found in multiple mammalian species, which suggests that this missense change does not adversely affect protein function. In summary, the available evidence is currently insufficient to determine the role of this variant in disease. Therefore, it has been classified as a Variant of Uncertain Significance.

Illumina Laboratory Services, Illumina
Classification: Uncertain significance for Dilated cardiomyopathy 3B. Last evaluated: 2018-01-12. Review status: criteria provided, single submitter. Criteria: ICSL Variant Classification Criteria 13 December 2019. Collection method: clinical testing. Allele origin: germline.

Natera, Inc.
Classification: Uncertain significance for Becker muscular dystrophy; Cardiomyopathy; Duchenne muscular dystrophy; Dystrophin deficiency. Last evaluated: 2020-09-03. Review status: no assertion criteria provided. Collection method: clinical testing. Allele origin: germline. Not counted in ClinVar's aggregate classification.